The following is an entry in ClinVar:

ClinVar aggregate classification (germline): Pathogenic (1 of 4 stars; one submission).

Conditions:
Dyskeratosis congenita. Identifiers: Orphanet 1775, MedGen C0265965, MONDO:0015780.

Submission:

Labcorp Genetics (formerly Invitae), Labcorp
Classification: Pathogenic for Dyskeratosis congenita. Last evaluated: 2019-03-29. Review status: criteria provided, single submitter. Criteria: Invitae Variant Classification Sherloc (09022015). Collection method: clinical testing. Allele origin: germline.
Comment: This variant is not present in population databases (ExAC no frequency). This sequence change creates a premature translational stop signal (p.Tyr991*) in the CTC1 gene. It is expected to result in an absent or disrupted protein product. This variant has not been reported in the literature in individuals with CTC1-related conditions. For these reasons, this variant has been classified as Pathogenic. Loss-of-function variants in CTC1 are known to be pathogenic (PMID: 22267198, 22387016). Algorithms developed to predict the effect of sequence changes on RNA splicing suggest that this variant may create or strengthen a splice site, but this prediction has not been confirmed by published transcriptional studies.

Literature cited by the submitters: PubMed 22267198; PubMed 22387016.

NM_025099.6(CTC1):c.2973T>G (p.Tyr991Ter)

Gene: CTC1 (CST telomere replication complex component 1; minus strand). Cytogenetic location: 17p13.1.
Variant type: single nucleotide variant.
Coding change: c.2973T>G on transcript NM_025099.6 (MANE Select); coding-DNA position 2973, T replaced by G.
Protein change: p.Tyr991Ter; replaces tyrosine 991 with a stop codon.
Molecular consequence: nonsense. On other transcripts: non-coding transcript variant (1).
Genome position (GRCh38, 1-based): chr17:8,229,929, A>C on the plus strand (T>G on the coding strand, the complement: CTC1 is on the minus strand). VCF-style: chr17-8229929-A-C. GRCh37 (hg19) VCF-style: chr17-8133247-A-C.
Other names: short protein forms Y991*.
Identifiers: ClinVar variation 844575 (VCV000844575.7), dbSNP rs62637613, ClinGen allele CA397973179.